The following is an entry in ClinVar:

NM_001035.3(RYR2):c.11730C>T (p.Ile3910=)

Gene: RYR2 (ryanodine receptor 2; plus strand). Cytogenetic location: 1q43.
Variant type: single nucleotide variant.
Coding change: c.11730C>T on transcript NM_001035.3 (MANE Select); coding-DNA position 11730, C replaced by T.
Protein change: p.Ile3910=; no amino-acid change (isoleucine 3910 retained).
Molecular consequence: synonymous variant.
Genome position (GRCh38, 1-based): chr1:237,773,603, C>T. VCF-style: chr1-237773603-C-T. GRCh37 (hg19) VCF-style: chr1-237936903-C-T.
Other names: c.11730C>T (NM_001035.2).
Identifiers: ClinVar variation 926327 (VCV000926327.15), dbSNP rs764373699, ClinGen allele CA085042.

ClinVar aggregate classification (germline): Likely benign. Review status: criteria provided, multiple submitters, no conflicts (2 of 4 stars). 4 submissions from 4 submitters: Likely benign (4). Last evaluated 2026-01-16.

Conditions:
Cardiomyopathy (CMYO). Also called: Cardiomyopathies. Identifiers: Orphanet 167848, MedGen C0878544, MONDO:0004994, HP:0001638. Inheritance: Various modes of inheritance.
Catecholaminergic polymorphic ventricular tachycardia (CVPT). Also called: Catecholamine-induced polymorphic ventricular tachycardia. Identifiers: Orphanet 3286, MedGen C5574922, MONDO:0017990.
Cardiovascular phenotype. Identifiers: MedGen CN230736.
Catecholaminergic polymorphic ventricular tachycardia 1. Also called: VENTRICULAR TACHYCARDIA, CATECHOLAMINERGIC POLYMORPHIC, 1, WITH OR WITHOUT ATRIAL DYSFUNCTION AND/OR DILATED CARDIOMYOPATHY; VENTRICULAR TACHYCARDIA, STRESS-INDUCED POLYMORPHIC 1; RYR2-Related Catecholaminergic Polymorphic Ventricular Tachycardia. Identifiers: Orphanet 3286, MedGen C1631597, MONDO:0011484, OMIM 604772.

Allele frequency attached by ClinVar (database versions not stated): ExAC 0.00001; gnomAD exomes 0.00001; gnomAD 0.00002 and 0.00003; TOPMed 0.00003.
gnomAD v4.1: 13 of 1,611,092 alleles (0.00081%); highest among the groups gnomAD compares: African/African-American, 0.0013%; no homozygotes.

Submissions (4):

Labcorp Genetics (formerly Invitae), Labcorp
Classification: Likely benign for Catecholaminergic polymorphic ventricular tachycardia 1. Last evaluated: 2026-01-16. Review status: criteria provided, single submitter. Criteria: Invitae Variant Classification Sherloc (09022015). Collection method: clinical testing. Allele origin: germline.

All of Us Research Program, National Institutes of Health
Classification: Likely benign for Catecholaminergic polymorphic ventricular tachycardia. Last evaluated: 2023-07-07. Review status: criteria provided, single submitter. Criteria: ACMG Guidelines, 2015. Collection method: clinical testing. Allele origin: germline. Inheritance: Autosomal dominant inheritance. Observed: 5 variant alleles, 5 heterozygotes.
Comment: This study involves interpretation of variants in research participants for the purpose of population health screening. Participant phenotype was not available at the time of variant classification. Additional details can be found in publication PMID: 35346344, PMCID: PMC8962531

Ambry Genetics
Classification: Likely benign for Cardiovascular phenotype. Last evaluated: 2020-03-05. Review status: criteria provided, single submitter. Criteria: Ambry Variant Classification Scheme 2023. Collection method: clinical testing. Allele origin: germline.

Color Diagnostics, LLC DBA Color Health
Classification: Likely benign for Cardiomyopathy. Last evaluated: 2020-01-28. Review status: criteria provided, single submitter. Criteria: ACMG Guidelines, 2015. Collection method: clinical testing. Allele origin: germline.